The following is an entry in ClinVar:

NM_005458.8(GABBR2):c.2257G>A (p.Ala753Thr)

Gene: GABBR2 (gamma-aminobutyric acid type B receptor subunit 2; minus strand). Cytogenetic location: 9q22.33.
Variant type: single nucleotide variant.
Coding change: c.2257G>A on transcript NM_005458.8 (MANE Select); coding-DNA position 2257, G replaced by A.
Protein change: p.Ala753Thr; replaces alanine 753 with threonine.
Molecular consequence: missense variant.
Genome position (GRCh38, 1-based): chr9:98,303,396, C>T on the plus strand (G>A on the coding strand, the complement: GABBR2 is on the minus strand). VCF-style: chr9-98303396-C-T. GRCh37 (hg19) VCF-style: chr9-101065678-C-T.
Other names: short protein forms A753T.
Identifiers: ClinVar variation 4998443 (VCV004998443.1).
Genomic context (GRCh38, chr9:98,303,396, plus strand): 5'-TTTTAGAATCTTCTTTCTTCTGATTCTGAGTGAACTGGAATCGCCTGTTCTGCGTTGCTG[C>T]ATCTGGGTTTGTTCTCAGGGTGATGAGCTGAAAGGACAAAGGTTGGGGCGGGGTTGAAGA-3'
Protein context (NP_005449.5, residues 743-763): KLITLRTNPD[Ala753Thr]ATQNRRFQFT

ClinVar aggregate classification (germline): Uncertain significance (1 of 4 stars; one submission).

Conditions:
GABBR2-related disorder. Also called: GABBR2-related disorders; GABBR2-related condition.

gnomAD v4.1: 1 of 1,614,178 alleles (0.000062%); no homozygotes.

Submission:

PreventionGenetics, part of Exact Sciences
Classification: Uncertain significance for GABBR2-related condition. Last evaluated: 2024-12-16. Review status: criteria provided, single submitter. Criteria: ACMG Guidelines, 2015. Collection method: clinical testing. Allele origin: germline.
Comment: The GABBR2 c.2257G>A variant is predicted to result in the amino acid substitution p.Ala753Thr. To our knowledge, this variant has not been reported in the literature. This variant is reported in 0.0% of alleles in individuals of African descent in gnomAD. At this time, the clinical significance of this variant is uncertain due to the absence of conclusive functional and genetic evidence.